The following is an entry in ClinVar:

ClinVar aggregate classification (germline): Pathogenic (1 of 4 stars; one submission).

Conditions:
MEGF10-related myopathy (CMYO10A). Also called: Congenital myopathy 10A, severe variant. Identifiers: Orphanet 439212, MedGen C3280679, MONDO:0013731, OMIM 614399.

Submission:

Labcorp Genetics (formerly Invitae), Labcorp
Classification: Pathogenic for MEGF10-related myopathy. Last evaluated: 2025-12-24. Review status: criteria provided, single submitter. Criteria: Invitae Variant Classification Sherloc (09022015). Collection method: clinical testing. Allele origin: germline.
Comment: This sequence change creates a premature translational stop signal (p.Leu15*) in the MEGF10 gene. It is expected to result in an absent or disrupted protein product. Loss-of-function variants in MEGF10 are known to be pathogenic (PMID: 22101682, 22371254, 23453856, 23954233). This variant is not present in population databases (gnomAD no frequency). This variant has not been reported in the literature in individuals affected with MEGF10-related conditions. ClinVar contains an entry for this variant (Variation ID: 3605001). For these reasons, this variant has been classified as Pathogenic.

Literature cited by the submitters: PubMed 22101682; PubMed 22371254; PubMed 23453856; PubMed 23954233.

NM_001256545.2(MEGF10):c.44T>A (p.Leu15Ter)

Gene: MEGF10 (multiple EGF like domains 10; plus strand). Cytogenetic location: 5q23.2.
Variant type: single nucleotide variant.
Coding change: c.44T>A on transcript NM_001256545.2 (MANE Select); coding-DNA position 44, T replaced by A.
Protein change: p.Leu15Ter; replaces leucine 15 with a stop codon.
Molecular consequence: nonsense.
Genome position (GRCh38, 1-based): chr5:127,331,352, T>A. VCF-style: chr5-127331352-T-A. GRCh37 (hg19) VCF-style: chr5-126667044-T-A.
Other names: c.44T>A, p.Leu15Ter (NM_001308119.2, NM_001308121.2, NM_032446.3); short protein forms L15*.
Identifiers: ClinVar variation 3605001 (VCV003605001.2).
Genomic context (GRCh38, chr5:127,331,352, plus strand): 5'-TTGTTCTTCAGAAAAAAATGGTTATTTCTTTGAACTCATGCCTGAGCTTTATTTGTTTAT[T>A]GTTATGCCACTGGATTGGGACAGCATCACCTCTGAATCTTGAAGACCCTAATGTGTGTAG-3'